The following is an entry in ClinVar:

NM_030665.4(RAI1):c.5515G>T (p.Ala1839Ser)

Gene: RAI1 (retinoic acid induced 1; plus strand). Cytogenetic location: 17p11.2.
Variant type: single nucleotide variant.
Coding change: c.5515G>T on transcript NM_030665.4 (MANE Select); coding-DNA position 5515, G replaced by T.
Protein change: p.Ala1839Ser; replaces alanine 1839 with serine.
Molecular consequence: missense variant.
Genome position (GRCh38, 1-based): chr17:17,798,463, G>T. VCF-style: chr17-17798463-G-T. GRCh37 (hg19) VCF-style: chr17-17701777-G-T.
Other names: short protein forms A1839S.
Identifiers: ClinVar variation 3654099 (VCV003654099.2).

ClinVar aggregate classification (germline): Uncertain significance (1 of 4 stars; one submission).

gnomAD v4.1: 1 of 1,606,480 alleles (0.000062%); highest among the groups gnomAD compares: Non-Finnish European, 0.000085%; no homozygotes.

Submission:

Labcorp Genetics (formerly Invitae), Labcorp
Classification: Uncertain significance. Last evaluated: 2024-05-21. Review status: criteria provided, single submitter. Criteria: Invitae Variant Classification Sherloc (09022015). Collection method: clinical testing. Allele origin: germline.
Comment: This sequence change replaces alanine, which is neutral and non-polar, with serine, which is neutral and polar, at codon 1839 of the RAI1 protein (p.Ala1839Ser). This variant is not present in population databases (gnomAD no frequency). This variant has not been reported in the literature in individuals affected with RAI1-related conditions. Advanced modeling of protein sequence and biophysical properties (such as structural, functional, and spatial information, amino acid conservation, physicochemical variation, residue mobility, and thermodynamic stability) performed at Invitae indicates that this missense variant is expected to disrupt RAI1 protein function with a positive predictive value of 80%. In summary, the available evidence is currently insufficient to determine the role of this variant in disease. Therefore, it has been classified as a Variant of Uncertain Significance.